The following is an entry in ClinVar:

NM_018474.6(KIZ):c.118A>G (p.Lys40Glu)

Gene: KIZ (kizuna centrosomal protein; plus strand). Cytogenetic location: 20p11.23.
Variant type: single nucleotide variant.
Coding change: c.118A>G on transcript NM_018474.6 (MANE Select); coding-DNA position 118, A replaced by G.
Protein change: p.Lys40Glu; replaces lysine 40 with glutamic acid.
Molecular consequence: missense variant. On other transcripts: 5 prime UTR variant (4), intron variant (1).
Genome position (GRCh38, 1-based): chr20:21,132,125, A>G. VCF-style: chr20-21132125-A-G. GRCh37 (hg19) VCF-style: chr20-21112766-A-G.
Other names: c.-29A>G (NM_001163022.3, NM_001163023.3, NM_001352435.2); c.118A>G, p.Lys40Glu (NM_001352434.2); c.-269A>G (NM_001352436.2); c.168+5921A>G (NM_001276389.2); short protein forms K40E.
Identifiers: ClinVar variation 2140123 (VCV002140123.4), dbSNP rs2519597584, ClinGen allele CA408487891.

ClinVar aggregate classification (germline): Uncertain significance (1 of 4 stars; one submission).

Allele frequency attached by ClinVar (database versions not stated): gnomAD exomes below 0.00001.
gnomAD v4.1: 4 of 1,464,290 alleles (0.00027%); highest among the groups gnomAD compares: Non-Finnish European, 0.00037%; no homozygotes.

Submission:

Labcorp Genetics (formerly Invitae), Labcorp
Classification: Uncertain significance. Last evaluated: 2022-02-11. Review status: criteria provided, single submitter. Criteria: Invitae Variant Classification Sherloc (09022015). Collection method: clinical testing. Allele origin: germline.
Comment: Experimental studies and prediction algorithms are not available or were not evaluated, and the functional significance of this variant is currently unknown. This variant has not been reported in the literature in individuals affected with KIZ-related conditions. This variant is not present in population databases (gnomAD no frequency). This sequence change replaces lysine, which is basic and polar, with glutamic acid, which is acidic and polar, at codon 40 of the KIZ protein (p.Lys40Glu). In summary, the available evidence is currently insufficient to determine the role of this variant in disease. Therefore, it has been classified as a Variant of Uncertain Significance.